The following is an entry in ClinVar:

ClinVar aggregate classification (germline): Benign (1 of 4 stars; one submission).

Allele frequency attached by ClinVar (database versions not stated): 1000 Genomes Project 0.02736; 1000 Genomes Project 30x 0.02748; TOPMed 0.05470; gnomAD 0.06005 and 0.06147.
gnomAD v4.1: 9,098 of 152,226 alleles (6%); highest among the groups gnomAD compares: Non-Finnish European, 9%; 343 homozygotes.

Submissions (4):

GeneDx
Classification: Benign. Last evaluated: 2018-06-14. Review status: criteria provided, single submitter. Criteria: GeneDx Variant Classification (06012015). Collection method: clinical testing. Allele origin: germline. Affected: yes.
Comment: This variant is considered likely benign or benign based on one or more of the following criteria: it is a conservative change, it occurs at a poorly conserved position in the protein, it is predicted to be benign by multiple in silico algorithms, and/or has population frequency not consistent with disease.

Dr. Peter K. Rogan Lab, Western University
No classification provided (evidence only). Condition: Acute myeloid leukemia. Review status: no classification provided. Collection method: in vitro. Allele origin: not applicable. Functional consequence: retained intron. Not counted in ClinVar's aggregate classification.

Dr. Peter K. Rogan Lab, Western University
No classification provided (evidence only). Condition: Thymoma. Review status: no classification provided. Collection method: in vitro. Allele origin: not applicable. Functional consequence: retained intron. Not counted in ClinVar's aggregate classification.

Dr. Peter K. Rogan Lab, Western University
No classification provided (evidence only). Condition: Acute myeloid leukemia. Review status: no classification provided. Collection method: in vitro. Allele origin: not applicable. Functional consequence: retained intron. Not counted in ClinVar's aggregate classification.

NM_001232.4(CASQ2):c.235-301C>T

Gene: CASQ2 (calsequestrin 2; minus strand). Cytogenetic location: 1p13.1.
Variant type: single nucleotide variant.
Coding change: c.235-301C>T on transcript NM_001232.4 (MANE Select); 301 bases into the intron before coding-DNA position 235, C replaced by T.
Molecular consequence: intron variant.
Genome position (GRCh38, 1-based): chr1:115,745,213, G>A on the plus strand (C>T on the coding strand, the complement: CASQ2 is on the minus strand). VCF-style: chr1-115745213-G-A. GRCh37 (hg19) VCF-style: chr1-116287834-G-A.
Other names: NC_000001.10:g.116287834G>A.
Identifiers: ClinVar variation 669610 (VCV000669610.2), dbSNP rs34065642, ClinGen allele CA29610069.